The following is an entry in ClinVar:

ClinVar aggregate classification (germline): Benign/Likely benign. Review status: criteria provided, multiple submitters, no conflicts (2 of 4 stars). 8 submissions from 8 submitters: Benign (5); Likely benign (3). Last evaluated 2026-02-02.

Conditions:
Primary ciliary dyskinesia. Also called: Ciliary dyskinesia. Identifiers: Orphanet 244, MedGen C0008780, MONDO:0016575, HP:0012265.
Primary ciliary dyskinesia 7. Also called: CILIARY DYSKINESIA, PRIMARY, 7, WITH OR WITHOUT SITUS INVERSUS. Identifiers: Orphanet 244, MedGen C2678473, MONDO:0012748, OMIM 611884.

Allele frequency attached by ClinVar (database versions not stated): gnomAD exomes 0.00123 and 0.00321; ExAC 0.00387; ESP Exome Variant Server 0.01172; gnomAD 0.01248 and 0.01332; TOPMed 0.01391; 1000 Genomes Project 0.01478; 1000 Genomes Project 30x 0.01671.
gnomAD v4.1: 3,795 of 1,612,198 alleles (0.24%); highest among the groups gnomAD compares: African/African-American, 4.4%; 68 homozygotes.

Submissions (8):

Labcorp Genetics (formerly Invitae), Labcorp
Classification: Benign for Primary ciliary dyskinesia. Last evaluated: 2026-02-02. Review status: criteria provided, single submitter. Criteria: Invitae Variant Classification Sherloc (09022015). Collection method: clinical testing. Allele origin: germline.

ARUP Laboratories, Molecular Genetics and Genomics, ARUP Laboratories
Classification: Benign for Primary ciliary dyskinesia 7. Last evaluated: 2024-05-20. Review status: criteria provided, single submitter. Criteria: ARUP Molecular Germline Variant Investigation Process 2024. Collection method: clinical testing. Allele origin: germline.

Mayo Clinic Laboratories, Mayo Clinic
Classification: Benign. Last evaluated: 2023-03-22. Review status: criteria provided, single submitter. Criteria: ACMG Guidelines, 2015. Collection method: clinical testing. Allele origin: germline. Observed: 3 variant alleles.
Comment: BS1, BS2, BP4, BP7

GeneDx
Classification: Likely benign. Last evaluated: 2021-05-04. Review status: criteria provided, single submitter. Criteria: GeneDx Variant Classification Process June 2021. Collection method: clinical testing. Allele origin: germline. Affected: yes.

Ambry Genetics
Classification: Likely benign for Primary ciliary dyskinesia. Last evaluated: 2015-12-15. Review status: criteria provided, single submitter. Criteria: Ambry Variant Classification Scheme 2023. Collection method: clinical testing. Allele origin: germline.

Laboratory for Molecular Medicine, Mass General Brigham Personalized Medicine
Classification: Benign. Last evaluated: 2013-02-21. Review status: criteria provided, single submitter. Criteria: LMM Criteria. Collection method: clinical testing. Allele origin: germline. Observed: 1 variant allele.
Comment: 9337-9T>C in intron 56 of DNAH11: This variant is not expected to have clinical significance because it has been identified in 3.7% (140/3794) of African Americ an chromosomes from a broad population by the NHLBI Exome Sequencing Project (dbSNP rs72657378).

Breakthrough Genomics
Classification: Likely benign. Review status: criteria provided, single submitter. Criteria: ACMG Guidelines, 2015. Collection method: not provided. Allele origin: germline. Inheritance: Autosomal recessive inheritance. Affected: yes.

PreventionGenetics, part of Exact Sciences
Classification: Benign. Review status: criteria provided, single submitter. Criteria: ACMG Guidelines, 2015. Collection method: clinical testing. Allele origin: germline.

NM_001277115.2(DNAH11):c.9337-9T>C

Gene: DNAH11 (dynein axonemal heavy chain 11; plus strand). Cytogenetic location: 7p15.3.
Variant type: single nucleotide variant.
Coding change: c.9337-9T>C on transcript NM_001277115.2 (MANE Select); 9 bases into the intron before coding-DNA position 9337, T replaced by C.
Molecular consequence: intron variant.
Genome position (GRCh38, 1-based): chr7:21,778,949, T>C. VCF-style: chr7-21778949-T-C. GRCh37 (hg19) VCF-style: chr7-21818567-T-C.
Other names: p.?.
Identifiers: ClinVar variation 178730 (VCV000178730.28), dbSNP rs72657378, ClinGen allele CA182899.